The following is an entry in ClinVar:

ClinVar aggregate classification (germline): Conflicting classifications of pathogenicity. Review status: criteria provided, conflicting classifications (1 of 4 stars). 5 submissions from 5 submitters: Uncertain significance (1); Likely benign (4). Last evaluated 2026-01-25.

Conditions:
Dilated cardiomyopathy 1G (CMD1G). Identifiers: Orphanet 154, MedGen C1858763, MONDO:0011400, OMIM 604145.
Autosomal recessive limb-girdle muscular dystrophy type 2J (LGMDR10). Also called: Limb-girdle muscular dystrophy, type 2J; MUSCULAR DYSTROPHY, LIMB-GIRDLE, AUTOSOMAL RECESSIVE 10. Identifiers: Orphanet 140922, MedGen C1837342, MONDO:0012127, OMIM 608807.

Allele frequency attached by ClinVar (database versions not stated): ExAC 0.00002; gnomAD exomes 0.00002; gnomAD 0.00003 and 0.00004; TOPMed 0.00004.
gnomAD v4.1: 26 of 1,602,848 alleles (0.0016%); highest among the groups gnomAD compares: South Asian, 0.0056%; no homozygotes.

Submissions (5):

Labcorp Genetics (formerly Invitae), Labcorp
Classification: Likely benign for Dilated cardiomyopathy 1G; Autosomal recessive limb-girdle muscular dystrophy type 2J. Last evaluated: 2026-01-25. Review status: criteria provided, single submitter. Criteria: Invitae Variant Classification Sherloc (09022015). Collection method: clinical testing. Allele origin: germline.

Molecular Diagnostic Laboratory for Inherited Cardiovascular Disease, Montreal Heart Institute
Classification: Likely benign. Last evaluated: 2025-04-09. Review status: criteria provided, single submitter. Criteria: ACMG Guidelines, 2015. Collection method: clinical testing. Allele origin: germline. Affected: no.
Comment: BP1

Women's Health and Genetics/Laboratory Corporation of America, LabCorp
Classification: Likely benign. Last evaluated: 2023-03-27. Review status: criteria provided, single submitter. Criteria: LabCorp Variant Classification Summary - May 2015. Collection method: clinical testing. Allele origin: germline.

GeneDx
Classification: Likely benign. Last evaluated: 2019-12-26. Review status: criteria provided, single submitter. Criteria: GeneDx Variant Classification Process June 2021. Collection method: clinical testing. Allele origin: germline. Affected: yes.

Eurofins Ntd Llc (ga)
Classification: Uncertain significance. Last evaluated: 2018-07-18. Review status: criteria provided, single submitter. Criteria: EGL ClinVar v180209 classification definitions. Collection method: clinical testing. Allele origin: germline. Observed: 1 variant allele, 1 heterozygote.

NM_001267550.2(TTN):c.35268G>A (p.Pro11756=)

Gene: TTN (titin; minus strand). Cytogenetic location: 2q31.2.
Variant type: single nucleotide variant.
Coding change: c.35268G>A on transcript NM_001267550.2 (MANE Select); coding-DNA position 35268, G replaced by A.
Protein change: p.Pro11756=; no amino-acid change (proline 11756 retained).
Molecular consequence: synonymous variant. On other transcripts: intron variant (3).
Genome position (GRCh38, 1-based): chr2:178,671,130, C>T on the plus strand (G>A on the coding strand, the complement: TTN is on the minus strand). VCF-style: chr2-178671130-C-T. GRCh37 (hg19) VCF-style: chr2-179535857-C-T.
Other names: c.34146G>A, p.Pro11382= (NM_001256850.1); c.31365G>A, p.Pro10455= (NM_133378.4); c.13283-28813G>A (NM_003319.4); c.13859-28813G>A (NM_133437.4); c.13658-28813G>A (NM_133432.3).
Identifiers: ClinVar variation 598035 (VCV000598035.18), dbSNP rs778338717, ClinGen allele CA1997871.